The following is an entry in ClinVar:

ClinVar aggregate classification (germline): Likely pathogenic (1 of 4 stars; one submission).

Conditions:
Acute infantile liver failure due to synthesis defect of mtDNA-encoded proteins. Also called: LIVER FAILURE, INFANTILE, TRANSIENT; TRMU Deficiency; Liver failure acute infantile. Identifiers: Orphanet 217371, MedGen C3278664, MONDO:0013111, OMIM 613070.

Submission:

Myriad Genetics, Inc.
Classification: Likely pathogenic for Acute infantile liver failure due to synthesis defect of mtDNA-encoded proteins. Last evaluated: 2026-08-19. Review status: criteria provided, single submitter. Criteria: Myriad Autosomal Dominant, Autosomal Recessive and X-Linked Classification Criteria (2023). Collection method: clinical testing. Allele origin: unknown.
Comment: NM_018006.4(TRMU):c.772+2T>C is a variant in a canonical splice site classified as likely pathogenic in the context of acute liver failure, TRMU-related. c.772+2T>C has not been observed in cases with relevant disease. Relevant functional assessments of this variant are not available in the literature. c.772+2T>C has not been observed in referenced population frequency databases. In summary, NM_018006.4(TRMU):c.772+2T>C is a variant in a canonical splice site in a gene where loss of function is a known mechanism of disease and is predicted to disrupt protein function. Please note: this variant was assessed in the context of healthy population screening.

NM_018006.5(TRMU):c.772+2T>C

Gene: TRMU (tRNA mitochondrial 2-thiouridylase; plus strand). Cytogenetic location: 22q13.31.
Variant type: single nucleotide variant.
Coding change: c.772+2T>C on transcript NM_018006.5 (MANE Select); the canonical splice donor site of the intron after coding-DNA position 772, T replaced by C.
Molecular consequence: splice donor variant.
Genome position (GRCh38, 1-based): chr22:46,352,332, T>C. VCF-style: chr22-46352332-T-C. GRCh37 (hg19) VCF-style: chr22-46748229-T-C.
Other names: c.772+2T>C (NM_001282785.2); c.430+2T>C (NM_001282782.2); c.352+2T>C (NM_001282783.2, NM_001282784.2).
Identifiers: ClinVar variation 5003850 (VCV005003850.1).
Genomic context (GRCh38, chr22:46,352,332, plus strand): 5'-GCCTCGACCTGGTCACTTTATTTCCATAGAAGACAATAAGGTTCTGGGAACACATAAAGG[T>C]GAGGTGCAGACTCTGCCACTTGTCATCTGAAATGCCTAGAGCTGTGGCGTTTCAGCTCTG-3'